The following is an entry in ClinVar:

ClinVar aggregate classification (germline): Uncertain significance. Review status: criteria provided, multiple submitters, no conflicts (2 of 4 stars). 2 submissions from 2 submitters: Uncertain significance (2). Last evaluated 2021-11-15.

Conditions:
Inborn genetic diseases. Identifiers: MedGen C0950123, MeSH D030342.

Allele frequency attached by ClinVar (database versions not stated): TOPMed below 0.00001; gnomAD 0.00001; ExAC 0.00003.

Submissions (2):

Ambry Genetics
Classification: Uncertain significance for Inborn genetic diseases. Last evaluated: 2021-11-15. Review status: criteria provided, single submitter. Criteria: Ambry Variant Classification Scheme 2023. Collection method: clinical testing. Allele origin: germline.

Labcorp Genetics (formerly Invitae), Labcorp
Classification: Uncertain significance. Last evaluated: 2021-08-31. Review status: criteria provided, single submitter. Criteria: Invitae Variant Classification Sherloc (09022015). Collection method: clinical testing. Allele origin: germline.
Comment: This sequence change replaces leucine with phenylalanine at codon 47 of the CFAP410 protein (p.Leu47Phe). The leucine residue is highly conserved and there is a small physicochemical difference between leucine and phenylalanine. This variant is present in population databases (rs775012349, ExAC 0.005%). This variant has not been reported in the literature in individuals affected with CFAP410-related conditions. Algorithms developed to predict the effect of missense changes on protein structure and function are either unavailable or do not agree on the potential impact of this missense change (SIFT: "Tolerated"; PolyPhen-2: "Possibly Damaging"; Align-GVGD: "Class C0"). In summary, the available evidence is currently insufficient to determine the role of this variant in disease. Therefore, it has been classified as a Variant of Uncertain Significance.

NM_004928.3(CFAP410):c.139C>T (p.Leu47Phe)

Gene: CFAP410 (cilia and flagella associated protein 410; minus strand). Cytogenetic location: 21q22.3.
Variant type: single nucleotide variant.
Coding change: c.139C>T on transcript NM_004928.3 (MANE Select); coding-DNA position 139, C replaced by T.
Protein change: p.Leu47Phe; replaces leucine 47 with phenylalanine.
Molecular consequence: missense variant.
Genome position (GRCh38, 1-based): chr21:44,335,762, G>A on the plus strand (C>T on the coding strand, the complement: CFAP410 is on the minus strand). VCF-style: chr21-44335762-G-A. GRCh37 (hg19) VCF-style: chr21-45755645-G-A.
Other names: c.139C>T, p.Leu47Phe (NM_001271440.2, NM_001271441.2); c.25C>T, p.Leu9Phe (NM_001271442.1); short protein forms L9F, L47F.
Identifiers: ClinVar variation 958332 (VCV000958332.7), dbSNP rs775012349, ClinGen allele CA10053829.